The following is an entry in ClinVar:

ClinVar aggregate classification (germline): Conflicting classifications of pathogenicity. Review status: criteria provided, conflicting classifications (1 of 4 stars). 9 submissions from 9 submitters: Uncertain significance (4); Likely benign (4). 1 of the submissions does not count toward it. Last evaluated 2026-01-26.

Conditions:
CNTNAP2-related disorder. Also called: CNTNAP2-related condition.
Inborn genetic diseases. Identifiers: MedGen C0950123, MeSH D030342.
Cortical dysplasia-focal epilepsy syndrome (PTHSL1). Also called: Pitt-Hopkins-like syndrome 1. Identifiers: Orphanet 163681, Orphanet 221150, MedGen C2750246, MONDO:0012400, OMIM 610042.

Allele frequency attached by ClinVar (database versions not stated): ESP Exome Variant Server 0.00062; 1000 Genomes Project 0.00100; TOPMed 0.00135; 1000 Genomes Project 30x 0.00141.
gnomAD v4.1: 389 of 1,614,214 alleles (0.024%); highest among the groups gnomAD compares: African/African-American, 0.48%; 1 homozygote.

Submissions (9):

Labcorp Genetics (formerly Invitae), Labcorp
Classification: Likely benign for Cortical dysplasia-focal epilepsy syndrome. Last evaluated: 2026-01-26. Review status: criteria provided, single submitter. Criteria: Invitae Variant Classification Sherloc (09022015). Collection method: clinical testing. Allele origin: germline.

Women's Health and Genetics/Laboratory Corporation of America, LabCorp
Classification: Likely benign. Last evaluated: 2025-01-22. Review status: criteria provided, single submitter. Criteria: LabCorp Variant Classification Summary - May 2015. Collection method: clinical testing. Allele origin: germline.
Comment: Variant summary: CNTNAP2 c.3193C>A (p.Leu1065Ile) results in a conservative amino acid change in the encoded protein sequence. Four of five in-silico tools predict a benign effect of the variant on protein function. The variant allele was found at a frequency of 0.00024 in 1,607,240 control chromosomes, predominantly at a frequency of 0.0048 within the African or African-American subpopulation in the gnomAD database (v4.1 dataset), including 1 homozygote. The observed variant frequency within African or African-American control individuals in the gnomAD database exceeds the estimated maximal expected allele frequency for a pathogenic variant in CNTNAP2 causing Autism, Susceptibility To, 15 phenotype. To our knowledge, no occurrence of c.3193C>A in individuals affected with Autism, Susceptibility To, 15 and no experimental evidence demonstrating its impact on protein function have been reported. ClinVar contains an entry for this variant (Variation ID: 128804). Based on the evidence outlined above, the variant was classified as likely benign.

Ambry Genetics
Classification: Likely benign for Inborn genetic diseases. Last evaluated: 2024-06-16. Review status: criteria provided, single submitter. Criteria: Ambry Variant Classification Scheme 2023. Collection method: clinical testing. Allele origin: germline.

GeneDx
Classification: Likely benign. Last evaluated: 2021-03-09. Review status: criteria provided, single submitter. Criteria: GeneDx Variant Classification Process June 2021. Collection method: clinical testing. Allele origin: germline. Affected: yes.

Mayo Clinic Laboratories, Mayo Clinic
Classification: Uncertain significance. Last evaluated: 2019-07-22. Review status: criteria provided, single submitter. Criteria: ACMG Guidelines, 2015. Collection method: clinical testing. Allele origin: germline. Observed: 1 variant allele.

Athena Diagnostics
Classification: Uncertain significance. Last evaluated: 2017-04-24. Review status: criteria provided, single submitter. Criteria: Athena Diagnostics Criteria. Collection method: clinical testing. Allele origin: germline.

Eurofins Ntd Llc (ga)
Classification: Uncertain significance. Last evaluated: 2015-09-08. Review status: criteria provided, single submitter. Criteria: EGL Classification Definitions 2015. Collection method: clinical testing. Allele origin: germline. Observed: 1 variant allele, 1 heterozygote.

Genetic Services Laboratory, University of Chicago
Classification: Uncertain significance. Last evaluated: 2014-01-24. Review status: criteria provided, single submitter. Criteria: ACMG Guidelines, 2007. Collection method: clinical testing. Allele origin: germline. Inheritance: Autosomal recessive inheritance.

PreventionGenetics, part of Exact Sciences
Classification: Likely benign for CNTNAP2-related condition. Last evaluated: 2023-05-06. Review status: no assertion criteria provided. Collection method: clinical testing. Allele origin: germline. Not counted in ClinVar's aggregate classification.
Comment: This variant is classified as likely benign based on ACMG/AMP sequence variant interpretation guidelines (Richards et al. 2015 PMID: 25741868, with internal and published modifications).

NM_014141.6(CNTNAP2):c.3193C>A (p.Leu1065Ile)

Gene: CNTNAP2 (contactin associated protein 2; plus strand). Cytogenetic location: 7q36.1.
Variant type: single nucleotide variant.
Coding change: c.3193C>A on transcript NM_014141.6 (MANE Select); coding-DNA position 3193, C replaced by A.
Protein change: p.Leu1065Ile; replaces leucine 1065 with isoleucine.
Molecular consequence: missense variant.
Genome position (GRCh38, 1-based): chr7:148,217,470, C>A. VCF-style: chr7-148217470-C-A. GRCh37 (hg19) VCF-style: chr7-147914562-C-A.
Other names: p.L1065I:CTC>ATC; short protein forms L1065I.
Identifiers: ClinVar variation 128804 (VCV000128804.69), dbSNP rs146225600, ClinGen allele CA231041.